The following is an entry in ClinVar:

NM_000038.6(APC):c.5115C>T (p.Thr1705=)

Gene: APC (APC regulator of Wnt signaling pathway; plus strand). Cytogenetic location: 5q22.2.
Variant type: single nucleotide variant.
Coding change: c.5115C>T on transcript NM_000038.6 (MANE Select); coding-DNA position 5115, C replaced by T.
Protein change: p.Thr1705=; no amino-acid change (threonine 1705 retained).
Molecular consequence: synonymous variant.
Genome position (GRCh38, 1-based): chr5:112,840,709, C>T. VCF-style: chr5-112840709-C-T. GRCh37 (hg19) VCF-style: chr5-112176406-C-T.
Other names: c.5115C>T, p.Thr1705= (NM_001127510.3, NM_001354895.2); c.5061C>T, p.Thr1687= (NM_001127511.3); c.5169C>T, p.Thr1723= (NM_001354896.2); c.5145C>T, p.Thr1715= (NM_001354897.2); c.5040C>T, p.Thr1680= (NM_001354898.2); c.5031C>T, p.Thr1677= (NM_001354899.2); c.4992C>T, p.Thr1664= (NM_001354900.2); c.4938C>T, p.Thr1646= (NM_001354901.2); and 5 more.
Identifiers: ClinVar variation 490292 (VCV000490292.14), dbSNP rs373698193, ClinGen allele CA125167794.
Genomic context (GRCh38, chr5:112,840,709, plus strand): 5'-AAAACGAGATACCATTCCTACAGAAGGCAGAAGTACAGATGAGGCTCAAGGAGGAAAAAC[C>T]TCATCTGTAACCATACCTGAATTGGATGACAATAAAGCAGAGGAAGGTGATATTCTTGCA-3'
Protein context (NP_000029.2, residues 1695-1715): RSTDEAQGGK[Thr1705=]SSVTIPELDD

ClinVar aggregate classification (germline): Benign/Likely benign. Review status: criteria provided, multiple submitters, no conflicts (2 of 4 stars). 3 submissions from 3 submitters: Benign (1); Likely benign (2). Last evaluated 2024-09-23.

Conditions:
Hereditary cancer-predisposing syndrome. Also called: Hereditary Cancer Syndrome; Neoplastic Syndromes, Hereditary; Tumor predisposition; Hereditary neoplastic syndrome. Identifiers: Orphanet 140162, MedGen C0027672, MeSH D009386, MONDO:0015356.
Familial adenomatous polyposis 1 (FAP1). Also called: POLYPOSIS, ADENOMATOUS INTESTINAL; FAMILIAL ADENOMATOUS POLYPOSIS 1, ATTENUATED. Identifiers: MedGen C2713442, MONDO:0021056, OMIM 175100. Disease mechanism: loss of function.

Allele frequency attached by ClinVar (database versions not stated): gnomAD exomes below 0.00001; ESP Exome Variant Server 0.00008.
gnomAD v4.1: 1 of 1,614,026 alleles (0.000062%); highest among the groups gnomAD compares: Non-Finnish European, 0.000085%; no homozygotes.

Submissions (3):

Labcorp Genetics (formerly Invitae), Labcorp
Classification: Likely benign for Familial adenomatous polyposis 1. Last evaluated: 2024-09-23. Review status: criteria provided, single submitter. Criteria: Invitae Variant Classification Sherloc (09022015). Collection method: clinical testing. Allele origin: germline.

Myriad Genetics, Inc.
Classification: Benign for Familial adenomatous polyposis 1. Last evaluated: 2024-03-28. Review status: criteria provided, single submitter. Criteria: Myriad Autosomal Dominant, Autosomal Recessive and X-Linked Classification Criteria (2023). Collection method: clinical testing. Allele origin: unknown.
Comment: This variant is considered benign. This variant is a silent/synonymous amino acid change and it is not expected to impact splicing.

Color Diagnostics, LLC DBA Color Health
Classification: Likely benign for Hereditary cancer-predisposing syndrome. Last evaluated: 2017-05-01. Review status: criteria provided, single submitter. Criteria: ACMG Guidelines, 2015. Collection method: clinical testing. Allele origin: germline.